The following is an entry in ClinVar:

NM_001009944.3(PKD1):c.719C>A (p.Ala240Asp)

Gene: PKD1 (polycystin 1, transient receptor potential channel interacting; minus strand). Cytogenetic location: 16p13.3.
Variant type: single nucleotide variant.
Coding change: c.719C>A on transcript NM_001009944.3 (MANE Select); coding-DNA position 719, C replaced by A.
Protein change: p.Ala240Asp; replaces alanine 240 with aspartic acid.
Molecular consequence: missense variant.
Genome position (GRCh38, 1-based): chr16:2,118,273, G>T on the plus strand (C>A on the coding strand, the complement: PKD1 is on the minus strand). VCF-style: chr16-2118273-G-T. GRCh37 (hg19) VCF-style: chr16-2168274-G-T.
Other names: c.719C>A, p.Ala240Asp (NM_000296.4); short protein forms A240D.
Identifiers: ClinVar variation 5017846 (VCV005017846.1).

ClinVar aggregate classification (germline): Uncertain significance (1 of 4 stars; one submission).

Submission:

GeneDx
Classification: Uncertain significance. Last evaluated: 2026-04-07. Review status: criteria provided, single submitter. Criteria: GeneDx Variant Classification Process June 2021. Collection method: clinical testing. Allele origin: germline.
Comment: Not observed at significant frequency in large population cohorts (gnomAD); In silico analysis suggests that this missense variant does not alter protein structure/function; Has not been previously published as pathogenic or benign to our knowledge